The following is an entry in ClinVar:

NM_001909.5(CTSD):c.1012A>C (p.Ile338Leu)

Gene: CTSD (cathepsin D; minus strand). Cytogenetic location: 11p15.5.
Variant type: single nucleotide variant.
Coding change: c.1012A>C on transcript NM_001909.5 (MANE Select); coding-DNA position 1012, A replaced by C.
Protein change: p.Ile338Leu; replaces isoleucine 338 with leucine.
Molecular consequence: missense variant.
Genome position (GRCh38, 1-based): chr11:1,753,862, T>G on the plus strand (A>C on the coding strand, the complement: CTSD is on the minus strand). VCF-style: chr11-1753862-T-G. GRCh37 (hg19) VCF-style: chr11-1775092-T-G.
Other names: short protein forms I338L.
Identifiers: ClinVar variation 2098694 (VCV002098694.1), dbSNP rs2493816533, ClinGen allele CA379093257.

ClinVar aggregate classification (germline): Uncertain significance (1 of 4 stars; one submission).

Conditions:
Neuronal ceroid lipofuscinosis. Also called: Neuronal Ceroid Lipofuscinoses. Identifiers: Orphanet 216, Orphanet 79263, MedGen C0027877, MONDO:0016295. Disease mechanism: loss of function.

Submission:

Labcorp Genetics (formerly Invitae), Labcorp
Classification: Uncertain significance for Neuronal ceroid lipofuscinosis. Last evaluated: 2022-10-05. Review status: criteria provided, single submitter. Criteria: Invitae Variant Classification Sherloc (09022015). Collection method: clinical testing. Allele origin: germline.
Comment: This sequence change replaces isoleucine, which is neutral and non-polar, with leucine, which is neutral and non-polar, at codon 338 of the CTSD protein (p.Ile338Leu). This variant is not present in population databases (gnomAD no frequency). This variant has not been reported in the literature in individuals affected with CTSD-related conditions. Advanced modeling of protein sequence and biophysical properties (such as structural, functional, and spatial information, amino acid conservation, physicochemical variation, residue mobility, and thermodynamic stability) performed at Invitae indicates that this missense variant is not expected to disrupt CTSD protein function. In summary, the available evidence is currently insufficient to determine the role of this variant in disease. Therefore, it has been classified as a Variant of Uncertain Significance.